The following is an entry in ClinVar:

NM_024675.4(PALB2):c.1002C>A (p.Tyr334Ter)

Gene: PALB2 (partner and localizer of BRCA2; minus strand). Cytogenetic location: 16p12.2.
Variant type: single nucleotide variant.
Coding change: c.1002C>A on transcript NM_024675.4 (MANE Select); coding-DNA position 1002, C replaced by A.
Protein change: p.Tyr334Ter; replaces tyrosine 334 with a stop codon.
Molecular consequence: nonsense.
Genome position (GRCh38, 1-based): chr16:23,635,544, G>T on the plus strand (C>A on the coding strand, the complement: PALB2 is on the minus strand). VCF-style: chr16-23635544-G-T. GRCh37 (hg19) VCF-style: chr16-23646865-G-T.
Other names: short protein forms Y334*.
Identifiers: ClinVar variation 850899 (VCV000850899.12), dbSNP rs1967002667, ClinGen allele CA395134596.

ClinVar aggregate classification (germline): Pathogenic. Review status: criteria provided, multiple submitters, no conflicts (2 of 4 stars). 3 submissions from 3 submitters: Pathogenic (3). Last evaluated 2026-04-24.

Conditions:
Hereditary cancer-predisposing syndrome. Also called: Tumor predisposition; Neoplastic Syndromes, Hereditary; Hereditary neoplastic syndrome; Hereditary Cancer Syndrome. Identifiers: Orphanet 140162, MedGen C0027672, MeSH D009386, MONDO:0015356.
Familial cancer of breast. Also called: Hereditary breast cancer; BREAST CANCER, FAMILIAL; hereditary breast carcinoma. Identifiers: Orphanet 227535, MedGen C0346153, MONDO:0016419, OMIM 114480. Disease mechanism: loss of function.

Submissions (3):

Ambry Genetics
Classification: Pathogenic for Hereditary cancer-predisposing syndrome. Last evaluated: 2026-04-24. Review status: criteria provided, single submitter. Criteria: Ambry Variant Classification Scheme 2023. Collection method: clinical testing. Allele origin: germline.
Comment: The c.1002C>A (p.Y334*) alteration, located in exon 4 (coding exon 4) of the PALB2 gene, consists of a C to A substitution at nucleotide position 1002. This changes the amino acid from a tyrosine (Y) to a stop codon at amino acid position 334. This variant is expected to result in loss of function by premature protein truncation or nonsense-mediated mRNA decay. This variant was not reported in population-based cohorts in the Genome Aggregation Database (gnomAD). Based on the available evidence, this alteration is classified as pathogenic.

Labcorp Genetics (formerly Invitae), Labcorp
Classification: Pathogenic for Familial cancer of breast. Last evaluated: 2025-02-11. Review status: criteria provided, single submitter. Criteria: Invitae Variant Classification Sherloc (09022015). Collection method: clinical testing. Allele origin: germline.
Comment: This sequence change creates a premature translational stop signal (p.Tyr334*) in the PALB2 gene. It is expected to result in an absent or disrupted protein product. Loss-of-function variants in PALB2 are known to be pathogenic (PMID: 17200668, 17200671, 17200672, 24136930, 25099575). This variant is not present in population databases (gnomAD no frequency). This premature translational stop signal has been observed in individual(s) with breast cancer (PMID: 33646313). ClinVar contains an entry for this variant (Variation ID: 850899). For these reasons, this variant has been classified as Pathogenic.

Myriad Genetics, Inc.
Classification: Pathogenic for Familial cancer of breast. Last evaluated: 2023-09-07. Review status: criteria provided, single submitter. Criteria: Myriad Autosomal Dominant, Autosomal Recessive and X-Linked Classification Criteria (2023). Collection method: clinical testing. Allele origin: unknown.
Comment: This variant is considered pathogenic. This variant creates a termination codon and is predicted to result in premature protein truncation.

Literature cited by the submitters: PubMed 33646313 (cited by Ambry Genetics and Labcorp Genetics (formerly Invitae), Labcorp); PubMed 17200668 (cited by Labcorp Genetics (formerly Invitae), Labcorp); PubMed 17200671 (cited by Labcorp Genetics (formerly Invitae), Labcorp); PubMed 17200672 (cited by Labcorp Genetics (formerly Invitae), Labcorp); PubMed 24136930 (cited by Labcorp Genetics (formerly Invitae), Labcorp); PubMed 25099575 (cited by Labcorp Genetics (formerly Invitae), Labcorp).